The following is an entry in ClinVar:

NM_004448.4(ERBB2):c.1990G>T (p.Val664Phe)

Gene: ERBB2 (erb-b2 receptor tyrosine kinase 2; plus strand). Cytogenetic location: 17q12.
Variant type: single nucleotide variant.
Coding change: c.1990G>T on transcript NM_004448.4 (MANE Select); coding-DNA position 1990, G replaced by T.
Protein change: p.Val664Phe; replaces valine 664 with phenylalanine.
Molecular consequence: missense variant. On other transcripts: non-coding transcript variant (1), intron variant (1).
Genome position (GRCh38, 1-based): chr17:39,723,362, G>T. VCF-style: chr17-39723362-G-T. GRCh37 (hg19) VCF-style: chr17-37879615-G-T.
Other names: c.1900G>T, p.Val634Phe (NM_001005862.3, NM_001382782.1, NM_001382783.1); c.1945G>T, p.Val649Phe (NM_001289936.2); c.1990G>T, p.Val664Phe (NM_001289937.2, NM_001382792.1, NM_001382793.1 and 7 more transcripts); c.2107G>T, p.Val703Phe (NM_001382784.1, NM_001382786.1); c.2092G>T, p.Val698Phe (NM_001382785.1); c.2065G>T, p.Val689Phe (NM_001382787.1); c.2020G>T, p.Val674Phe (NM_001382788.1); c.2011G>T, p.Val671Phe (NM_001382789.1); and 7 more; short protein forms V648F, V671F, V698F, V604F, V649F, V689F, V388F, V661F.
Identifiers: ClinVar variation 1038878 (VCV001038878.8), dbSNP rs2059553817, ClinGen allele CA399300759.

ClinVar aggregate classification (germline): Uncertain significance (1 of 4 stars; one submission).

Allele frequency attached by ClinVar (database versions not stated): gnomAD exomes below 0.00001; TOPMed below 0.00001.
gnomAD v4.1: 2 of 1,614,058 alleles (0.00012%); highest among the groups gnomAD compares: East Asian, 0.0045%; no homozygotes.

Submission:

Labcorp Genetics (formerly Invitae), Labcorp
Classification: Uncertain significance. Last evaluated: 2023-11-10. Review status: criteria provided, single submitter. Criteria: Invitae Variant Classification Sherloc (09022015). Collection method: clinical testing. Allele origin: germline.
Comment: This sequence change replaces valine, which is neutral and non-polar, with phenylalanine, which is neutral and non-polar, at codon 664 of the ERBB2 protein (p.Val664Phe). This variant is not present in population databases (gnomAD no frequency). This variant has not been reported in the literature in individuals affected with ERBB2-related conditions. ClinVar contains an entry for this variant (Variation ID: 1038878). Advanced modeling of protein sequence and biophysical properties (such as structural, functional, and spatial information, amino acid conservation, physicochemical variation, residue mobility, and thermodynamic stability) performed at Invitae indicates that this missense variant is not expected to disrupt ERBB2 protein function with a negative predictive value of 80%. In summary, the available evidence is currently insufficient to determine the role of this variant in disease. Therefore, it has been classified as a Variant of Uncertain Significance.